The following is an entry in ClinVar:

ClinVar aggregate classification (germline): Uncertain significance (1 of 4 stars; one submission).

Conditions:
Dilated cardiomyopathy 1G (CMD1G). Identifiers: Orphanet 154, MedGen C1858763, MONDO:0011400, OMIM 604145.
Autosomal recessive limb-girdle muscular dystrophy type 2J (LGMDR10). Also called: MUSCULAR DYSTROPHY, LIMB-GIRDLE, AUTOSOMAL RECESSIVE 10; Limb-girdle muscular dystrophy, type 2J. Identifiers: Orphanet 140922, MedGen C1837342, MONDO:0012127, OMIM 608807.

Submission:

Labcorp Genetics (formerly Invitae), Labcorp
Classification: Uncertain significance for Dilated cardiomyopathy 1G; Autosomal recessive limb-girdle muscular dystrophy type 2J. Last evaluated: 2022-03-10. Review status: criteria provided, single submitter. Criteria: Invitae Variant Classification Sherloc (09022015). Collection method: clinical testing. Allele origin: germline.
Comment: This sequence change replaces isoleucine, which is neutral and non-polar, with threonine, which is neutral and polar, at codon 18561 of the TTN protein (p.Ile18561Thr). This variant is not present in population databases (gnomAD no frequency). This variant has not been reported in the literature in individuals affected with TTN-related conditions. Experimental studies and prediction algorithms are not available or were not evaluated, and the functional significance of this variant is currently unknown. In summary, the available evidence is currently insufficient to determine the role of this variant in disease. Therefore, it has been classified as a Variant of Uncertain Significance.

NM_001267550.2(TTN):c.55682T>C (p.Ile18561Thr)

Genes: TTN (titin; minus strand), TTN-AS1 (TTN antisense RNA 1; plus strand). Cytogenetic location: 2q31.2.
Variant type: single nucleotide variant.
Coding change: c.55682T>C on transcript NM_001267550.2 (MANE Select); coding-DNA position 55682, T replaced by C.
Protein change: p.Ile18561Thr; replaces isoleucine 18561 with threonine.
Molecular consequence: missense variant.
Genome position (GRCh38, 1-based): chr2:178,601,315, A>G on the plus strand (T>C on the coding strand, the complement: TTN is on the minus strand). VCF-style: chr2-178601315-A-G. GRCh37 (hg19) VCF-style: chr2-179466042-A-G.
Other names: c.50759T>C, p.Ile16920Thr (NM_001256850.1); c.28487T>C, p.Ile9496Thr (NM_003319.4); c.47978T>C, p.Ile15993Thr (NM_133378.4); c.28862T>C, p.Ile9621Thr (NM_133432.3); c.29063T>C, p.Ile9688Thr (NM_133437.4); short protein forms I9688T, I15993T, I16920T, I18561T, I9496T, I9621T.
Identifiers: ClinVar variation 1949293 (VCV001949293.2), dbSNP rs2053390779, ClinGen allele CA349538518.